The following is an entry in ClinVar:

NM_001365999.1(SZT2):c.2824C>T (p.Arg942Trp)

Gene: SZT2 (SZT2 subunit of KICSTOR complex; plus strand). Cytogenetic location: 1p34.2.
Variant type: single nucleotide variant.
Coding change: c.2824C>T on transcript NM_001365999.1 (MANE Select); coding-DNA position 2824, C replaced by T.
Protein change: p.Arg942Trp; replaces arginine 942 with tryptophan.
Molecular consequence: missense variant.
Genome position (GRCh38, 1-based): chr1:43,425,844, C>T. VCF-style: chr1-43425844-C-T. GRCh37 (hg19) VCF-style: chr1-43891515-C-T.
Other names: c.2824C>T, p.Arg942Trp (NM_015284.4); short protein forms R942W.
Identifiers: ClinVar variation 588290 (VCV000588290.9), dbSNP rs773789668, ClinGen allele CA808830.

ClinVar aggregate classification (germline): Uncertain significance. Review status: criteria provided, multiple submitters, no conflicts (2 of 4 stars). 3 submissions from 3 submitters: Uncertain significance (3). Last evaluated 2025-08-21.

Conditions:
Inborn genetic diseases. Identifiers: MedGen C0950123, MeSH D030342.
Developmental and epileptic encephalopathy, 18 (DEE18). Also called: Early infantile epileptic encephalopathy 18. Identifiers: Orphanet 369894, MedGen C3809624, MONDO:0014201, OMIM 615476.

Allele frequency attached by ClinVar (database versions not stated): gnomAD exomes 0.00001; TOPMed 0.00001; gnomAD 0.00003.

Submissions (3):

Labcorp Genetics (formerly Invitae), Labcorp
Classification: Uncertain significance. Last evaluated: 2025-08-21. Review status: criteria provided, single submitter. Criteria: Invitae Variant Classification Sherloc (09022015). Collection method: clinical testing. Allele origin: germline.
Comment: This sequence change replaces arginine, which is basic and polar, with tryptophan, which is neutral and slightly polar, at codon 942 of the SZT2 protein (p.Arg942Trp). This variant is present in population databases (rs773789668, gnomAD 0.01%). This variant has not been reported in the literature in individuals affected with SZT2-related conditions. ClinVar contains an entry for this variant (Variation ID: 588290). Invitae Evidence Modeling of protein sequence and biophysical properties (such as structural, functional, and spatial information, amino acid conservation, physicochemical variation, residue mobility, and thermodynamic stability) indicates that this missense variant is expected to disrupt SZT2 protein function with a positive predictive value of 80%. In summary, the available evidence is currently insufficient to determine the role of this variant in disease. Therefore, it has been classified as a Variant of Uncertain Significance.

Genome-Nilou Lab
Classification: Uncertain significance for Developmental and epileptic encephalopathy, 18. Last evaluated: 2023-04-11. Review status: criteria provided, single submitter. Criteria: ACMG Guidelines, 2015. Collection method: clinical testing. Allele origin: germline. Affected: no.

Ambry Genetics
Classification: Uncertain significance for Inborn genetic diseases. Last evaluated: 2016-09-20. Review status: criteria provided, single submitter. Criteria: Ambry Variant Classification Scheme 2023. Collection method: clinical testing. Allele origin: germline.
Comment: The p.R942W variant (also known as c.2824C>T), located in coding exon 20 of the SZT2 gene, results from a C to T substitution at nucleotide position 2824. The arginine at codon 942 is replaced by tryptophan, an amino acid with dissimilar properties. This variant was not reported in population based cohorts in the following databases: Database of Single Nucleotide Polymorphisms (dbSNP), NHLBI Exome Sequencing Project (ESP), and 1000 Genomes Project. In the ESP, this variant was not observed in 6503 samples (13006 alleles) with coverage at this position. This amino acid position is well conserved in available vertebrate species. In addition, the in silico prediction for this alteration is inconclusive. Since supporting evidence is limited at this time, the clinical significance of this variant remains unclear.